The following is an entry in ClinVar:

ClinVar aggregate classification (germline): Uncertain significance (1 of 4 stars; one submission).

Allele frequency attached by ClinVar (database versions not stated): gnomAD exomes below 0.00001.
gnomAD v4.1: 2 of 1,614,180 alleles (0.00012%); highest among the groups gnomAD compares: Non-Finnish European, 0.00017%; no homozygotes.

Submission:

CeGaT Center for Human Genetics Tuebingen
Classification: Uncertain significance. Last evaluated: 2023-08-01. Review status: criteria provided, single submitter. Criteria: CeGaT Center For Human Genetics Tuebingen Variant Classification Criteria Version 2. Collection method: clinical testing. Allele origin: germline. Affected: yes. Observed: 1 variant allele.
Comment: LAMA1: PM2

NM_005559.4(LAMA1):c.6733T>C (p.Ser2245Pro)

Gene: LAMA1 (laminin subunit alpha 1; minus strand). Cytogenetic location: 18p11.31.
Variant type: single nucleotide variant.
Coding change: c.6733T>C on transcript NM_005559.4 (MANE Select); coding-DNA position 6733, T replaced by C.
Protein change: p.Ser2245Pro; replaces serine 2245 with proline.
Molecular consequence: missense variant.
Genome position (GRCh38, 1-based): chr18:6,973,098, A>G on the plus strand (T>C on the coding strand, the complement: LAMA1 is on the minus strand). VCF-style: chr18-6973098-A-G. GRCh37 (hg19) VCF-style: chr18-6973097-A-G.
Other names: short protein forms S2245P.
Identifiers: ClinVar variation 2648542 (VCV002648542.24), dbSNP rs2510835402, ClinGen allele CA401828525.